The following is an entry in ClinVar:

NM_001453.3(FOXC1):c.586C>G (p.Pro196Ala)

Gene: FOXC1 (forkhead box C1; plus strand). Cytogenetic location: 6p25.3.
Variant type: single nucleotide variant.
Coding change: c.586C>G on transcript NM_001453.3 (MANE Select); coding-DNA position 586, C replaced by G.
Protein change: p.Pro196Ala; replaces proline 196 with alanine.
Molecular consequence: missense variant.
Genome position (GRCh38, 1-based): chr6:1,611,031, C>G. VCF-style: chr6-1611031-C-G. GRCh37 (hg19) VCF-style: chr6-1611266-C-G.
Other names: short protein forms P196A.
Identifiers: ClinVar variation 4705241 (VCV004705241.1).
Genomic context (GRCh38, chr6:1,611,031, plus strand): 5'-AAGAAGGACGCGGTGAAGGACAAGGAGGAGAAGGACAGGCTGCACCTCAAGGAGCCGCCC[C>G]CGCCCGGCCGCCAGCCCCCGCCCGCGCCGCCGGAGCAGGCCGACGGCAACGCGCCCGGTC-3'
Protein context (NP_001444.2, residues 186-206): KDRLHLKEPP[Pro196Ala]PGRQPPPAPP

ClinVar aggregate classification (germline): Uncertain significance (1 of 4 stars; one submission).

Conditions:
Axenfeld-Rieger syndrome type 3 (RIEG3). Also called: AXENFELD-RIEGER ANOMALY WITH CARDIAC DEFECTS AND/OR SENSORINEURAL HEARING LOSS. Identifiers: Orphanet 782, MedGen C2678503, MONDO:0011233, OMIM 602482.

Submission:

Labcorp Genetics (formerly Invitae), Labcorp
Classification: Uncertain significance for Axenfeld-Rieger syndrome type 3. Last evaluated: 2025-03-10. Review status: criteria provided, single submitter. Criteria: Invitae Variant Classification Sherloc (09022015). Collection method: clinical testing. Allele origin: germline.
Comment: This sequence change replaces proline, which is neutral and non-polar, with alanine, which is neutral and non-polar, at codon 196 of the FOXC1 protein (p.Pro196Ala). This variant is not present in population databases (gnomAD no frequency). This variant has not been reported in the literature in individuals affected with FOXC1-related conditions. An algorithm developed to predict the effect of missense changes on protein structure and function outputs the following: PolyPhen-2: "Benign". The alanine amino acid residue is found in multiple mammalian species, which suggests that this missense change does not adversely affect protein function. In summary, the available evidence is currently insufficient to determine the role of this variant in disease. Therefore, it has been classified as a Variant of Uncertain Significance.